The following is an entry in ClinVar:

ClinVar aggregate classification (germline): Likely benign. Review status: criteria provided, multiple submitters, no conflicts (2 of 4 stars). 3 submissions from 3 submitters: Likely benign (2). 1 of the submissions does not count toward it. Last evaluated 2024-05-09.

Conditions:
RYR3-related disorder. Also called: RYR3-related condition.

Allele frequency attached by ClinVar (database versions not stated): TOPMed below 0.00001.
gnomAD v4.1: 13 of 1,612,972 alleles (0.00081%); highest among the groups gnomAD compares: East Asian, 0.0067%; no homozygotes.

Submissions (3):

Blueprint Genetics
Classification: Likely benign. Last evaluated: 2024-05-09. Review status: criteria provided, single submitter. Criteria: ACMG Guidelines, 2015. Collection method: clinical testing. Allele origin: germline.

Labcorp Genetics (formerly Invitae), Labcorp
Classification: Likely benign. Last evaluated: 2018-12-17. Review status: criteria provided, single submitter. Criteria: Invitae Variant Classification Sherloc (09022015). Collection method: clinical testing. Allele origin: germline.

PreventionGenetics, part of Exact Sciences
Classification: Likely benign for RYR3-related condition. Last evaluated: 2019-02-22. Review status: no assertion criteria provided. Collection method: clinical testing. Allele origin: germline. Not counted in ClinVar's aggregate classification.
Comment: This variant is classified as likely benign based on ACMG/AMP sequence variant interpretation guidelines (Richards et al. 2015 PMID: 25741868, with internal and published modifications).

NM_001036.6(RYR3):c.7820+7C>A

Gene: RYR3 (ryanodine receptor 3; plus strand). Cytogenetic location: 15q14.
Variant type: single nucleotide variant.
Coding change: c.7820+7C>A on transcript NM_001036.6 (MANE Select); 7 bases into the intron after coding-DNA position 7820, C replaced by A.
Molecular consequence: intron variant.
Genome position (GRCh38, 1-based): chr15:33,740,002, C>A. VCF-style: chr15-33740002-C-A. GRCh37 (hg19) VCF-style: chr15-34032203-C-A.
Other names: c.7820+7C>A (NM_001243996.4).
Identifiers: ClinVar variation 759651 (VCV000759651.6), dbSNP rs749413810, ClinGen allele CA915946518.